The following is an entry in ClinVar:

ClinVar aggregate classification (germline): Likely pathogenic (1 of 4 stars; one submission).

Conditions:
Tyrosinemia type I (TYRSN1). Also called: Tyrosinemia type 1; Fumarylacetoacetase deficiency; Deficiency of fumarylacetoacetase; HEPATORENAL TYROSINEMIA; FAH DEFICIENCY. Identifiers: Orphanet 882, MedGen C0268490, MONDO:0010161, OMIM 276700. Disease mechanism: loss of function.

Submission:

Natera, Inc.
Classification: Likely pathogenic for Tyrosinemia type I. Last evaluated: 2024-09-05. Review status: criteria provided, single submitter. Criteria: Natera Variant Classification Schema (03/2026). Collection method: clinical testing. Allele origin: germline.
Comment: The c.413del variant in FAH is a frameshift variant predicted to shift the reading frame beginning at codon 138 and leads to a stop codon 11 codons downstream. This variant is expected to result in nonsense mediated decay, truncation, or a dysfunctional protein product. This variant is rare in the general population with a frequency below the threshold expected for the associated phenotype(s). Given the available evidence, this variant is classified as Likely Pathogenic.

NM_000137.4(FAH):c.413del (p.Gly138fs)

Gene: FAH (fumarylacetoacetate hydrolase; plus strand). Cytogenetic location: 15q25.1.
Variant type: Deletion.
Coding change: c.413del on transcript NM_000137.4 (MANE Select); coding-DNA position 413, one base deleted (G; older notation c.413delG).
Protein change: p.Gly138fs; shifts the reading frame from glycine 138.
Molecular consequence: frameshift variant.
Genome position (GRCh38, 1-based): chr15:80,162,294, G deleted; the last of 2 consecutive G bases (chr15:80,162,293-80,162,294); deleting either gives the same sequence. VCF-style (leftmost placement, unchanged base first): chr15-80162292-CG-C. GRCh37 (hg19) VCF-style: chr15-80454634-CG-C.
Other names: c.413del, p.Gly138fs (NM_001374377.1, NM_001374380.1); short protein forms G138fs.
Identifiers: ClinVar variation 4817559 (VCV004817559.1).